The following is an entry in ClinVar:

NM_005732.4(RAD50):c.1576G>A (p.Glu526Lys)

Gene: RAD50 (RAD50 double strand break repair protein; plus strand). Cytogenetic location: 5q31.1.
Variant type: single nucleotide variant.
Coding change: c.1576G>A on transcript NM_005732.4 (MANE Select); coding-DNA position 1576, G replaced by A.
Protein change: p.Glu526Lys; replaces glutamic acid 526 with lysine.
Molecular consequence: missense variant.
Genome position (GRCh38, 1-based): chr5:132,591,347, G>A. VCF-style: chr5-132591347-G-A. GRCh37 (hg19) VCF-style: chr5-131927039-G-A.
Other names: short protein forms E526K.
Identifiers: ClinVar variation 482151 (VCV000482151.15), dbSNP rs1267858785, ClinGen allele CA360945980.

ClinVar aggregate classification (germline): Uncertain significance. Review status: criteria provided, multiple submitters, no conflicts (2 of 4 stars). 2 submissions from 2 submitters: Uncertain significance (2). Last evaluated 2019-02-21.

Conditions:
Hereditary cancer-predisposing syndrome. Also called: Neoplastic Syndromes, Hereditary; Tumor predisposition; Hereditary Cancer Syndrome; Hereditary neoplastic syndrome. Identifiers: Orphanet 140162, MedGen C0027672, MeSH D009386, MONDO:0015356.

Allele frequency attached by ClinVar (database versions not stated): gnomAD 0.00001; TOPMed 0.00001.
gnomAD v4.1: 1 of 1,613,870 alleles (0.000062%); highest among the groups gnomAD compares: East Asian, 0.0022%; no homozygotes.

Submissions (2):

Labcorp Genetics (formerly Invitae), Labcorp
Classification: Uncertain significance for Hereditary cancer-predisposing syndrome. Last evaluated: 2019-02-21. Review status: criteria provided, single submitter. Criteria: Invitae Variant Classification Sherloc (09022015). Collection method: clinical testing. Allele origin: germline.
Comment: This sequence change replaces glutamic acid with lysine at codon 526 of the RAD50 protein (p.Glu526Lys). The glutamic acid residue is moderately conserved and there is a small physicochemical difference between glutamic acid and lysine. In summary, the available evidence is currently insufficient to determine the role of this variant in disease. Therefore, it has been classified as a Variant of Uncertain Significance. Algorithms developed to predict the effect of missense changes on protein structure and function (SIFT, PolyPhen-2, Align-GVGD) all suggest that this variant is likely to be tolerated, but these predictions have not been confirmed by published functional studies and their clinical significance is uncertain. This variant has not been reported in the literature in individuals with RAD50-related conditions. ClinVar contains an entry for this variant (Variation ID: 482151). This variant is not present in population databases (ExAC no frequency).

Ambry Genetics
Classification: Uncertain significance for Hereditary cancer-predisposing syndrome. Last evaluated: 2017-06-02. Review status: criteria provided, single submitter. Criteria: Ambry Variant Classification Scheme 2023. Collection method: clinical testing. Allele origin: germline.
Comment: The p.E526K variant (also known as c.1576G>A), located in coding exon 10 of the RAD50 gene, results from a G to A substitution at nucleotide position 1576. The glutamic acid at codon 526 is replaced by lysine, an amino acid with similar properties. This amino acid position is well conserved in available vertebrate species. In addition, the in silico prediction for this alteration is inconclusive. Since supporting evidence is limited at this time, the clinical significance of this alteration remains unclear.